The following is an entry in ClinVar:

NM_173630.4(RTTN):c.3962G>A (p.Gly1321Asp)

Gene: RTTN (rotatin; minus strand). Cytogenetic location: 18q22.2.
Variant type: single nucleotide variant.
Coding change: c.3962G>A on transcript NM_173630.4 (MANE Select); coding-DNA position 3962, G replaced by A.
Protein change: p.Gly1321Asp; replaces glycine 1321 with aspartic acid.
Molecular consequence: missense variant.
Genome position (GRCh38, 1-based): chr18:70,092,746, C>T on the plus strand (G>A on the coding strand, the complement: RTTN is on the minus strand). VCF-style: chr18-70092746-C-T. GRCh37 (hg19) VCF-style: chr18-67759982-C-T.
Other names: c.1226G>A, p.Gly409Asp (NM_001318520.2); c.3962G>A (NM_173630.3); short protein forms G1321D, G409D.
Identifiers: ClinVar variation 1500621 (VCV001500621.6), dbSNP rs781723384, ClinGen allele CA8995440.

ClinVar aggregate classification (germline): Uncertain significance. Review status: criteria provided, multiple submitters, no conflicts (2 of 4 stars). 2 submissions from 2 submitters: Uncertain significance (2). Last evaluated 2026-03-12.

Conditions:
RTTN-related disorder. Also called: RTTN-related condition.

Allele frequency attached by ClinVar (database versions not stated): gnomAD exomes 0.00002; TOPMed 0.00002; ExAC 0.00003.
gnomAD v4.1: 7 of 1,613,608 alleles (0.00043%); highest among the groups gnomAD compares: Admixed American, 0.012%; no homozygotes.

Submissions (2):

PreventionGenetics, part of Exact Sciences
Classification: Uncertain significance for RTTN-related condition. Last evaluated: 2026-03-12. Review status: criteria provided, single submitter. Criteria: ACMG Guidelines, 2015. Collection method: clinical testing. Allele origin: germline.
Comment: The RTTN c.3962G>A variant is predicted to result in the amino acid substitution p.Gly1321Asp. To our knowledge, this variant has not been reported in the literature. This variant is reported in 0.015% of alleles in individuals of Latino descent in gnomAD. At this time, the clinical significance of this variant is uncertain due to the absence of conclusive functional and genetic evidence.

Labcorp Genetics (formerly Invitae), Labcorp
Classification: Uncertain significance. Last evaluated: 2024-10-17. Review status: criteria provided, single submitter. Criteria: Invitae Variant Classification Sherloc (09022015). Collection method: clinical testing. Allele origin: germline.
Comment: This sequence change replaces glycine, which is neutral and non-polar, with aspartic acid, which is acidic and polar, at codon 1321 of the RTTN protein (p.Gly1321Asp). This variant is present in population databases (rs781723384, gnomAD 0.01%). This variant has not been reported in the literature in individuals affected with RTTN-related conditions. ClinVar contains an entry for this variant (Variation ID: 1500621). Invitae Evidence Modeling of protein sequence and biophysical properties (such as structural, functional, and spatial information, amino acid conservation, physicochemical variation, residue mobility, and thermodynamic stability) indicates that this missense variant is expected to disrupt RTTN protein function with a positive predictive value of 80%. In summary, the available evidence is currently insufficient to determine the role of this variant in disease. Therefore, it has been classified as a Variant of Uncertain Significance.